The following is an entry in ClinVar:

ClinVar aggregate classification (germline): Benign (1 of 4 stars; one submission).

Conditions:
Cutis laxa with osteodystrophy (ARCL2A). Also called: CUTIS LAXA WITH CONGENITAL DISORDER OF GLYCOSYLATION; Autosomal recessive cutis laxa type 2A; CUTIS LAXA, AUTOSOMAL RECESSIVE, TYPE IIA; Debré-Type Cutis Laxa; CUTIS LAXA WITH BONE DYSTROPHY; CUTIS LAXA WITH GROWTH AND DEVELOPMENTAL DELAY. Identifiers: Orphanet 357058, MedGen C0268355, MONDO:0018163, OMIM 219200. Disease mechanism: loss of function.

Allele frequency attached by ClinVar (database versions not stated): TOPMed 0.00802; 1000 Genomes Project 30x 0.00828; gnomAD 0.00696 and 0.00742; 1000 Genomes Project 0.00859.

Submission:

Illumina Laboratory Services, Illumina
Classification: Benign for Cutis laxa with osteodystrophy. Last evaluated: 2018-01-12. Review status: criteria provided, single submitter. Criteria: ICSL Variant Classification Criteria 13 December 2019. Collection method: clinical testing. Allele origin: germline.
Comment: This variant was observed in the ICSL laboratory as part of a predisposition screen in an ostensibly healthy population. It had not been previously curated by ICSL or reported in the Human Gene Mutation Database (HGMD: prior to June 1st, 2018), and was therefore a candidate for classification through an automated scoring system. Utilizing variant allele frequency, disease prevalence and penetrance estimates, and inheritance mode, an automated score was calculated to assess if this variant is too frequent to cause the disease. Based on the score and internal cut-off values, a variant classified as benign is not then subjected to further curation. The score for this variant resulted in a classification of benign for this disease.

NM_012463.4(ATP6V0A2):c.*2710G>A

Gene: ATP6V0A2 (ATPase H+ transporting V0 subunit a2; plus strand). Cytogenetic location: 12q24.31.
Variant type: single nucleotide variant.
Coding change: c.*2710G>A on transcript NM_012463.4 (MANE Select); 2710 bases downstream of the stop codon, G replaced by A.
Molecular consequence: 3 prime UTR variant.
Genome position (GRCh38, 1-based): chr12:123,760,742, G>A. VCF-style: chr12-123760742-G-A. GRCh37 (hg19) VCF-style: chr12-124245289-G-A.
Identifiers: ClinVar variation 880763 (VCV000880763.4), dbSNP rs145999411, ClinGen allele CA245167631.